The following is an entry in ClinVar:

NM_000093.5(COL5A1):c.2332-9T>A

Gene: COL5A1 (collagen type V alpha 1 chain; plus strand). Cytogenetic location: 9q34.3.
Variant type: single nucleotide variant.
Coding change: c.2332-9T>A on transcript NM_000093.5 (MANE Select); 9 bases into the intron before coding-DNA position 2332, T replaced by A.
Molecular consequence: intron variant.
Genome position (GRCh38, 1-based): chr9:134,774,850, T>A. VCF-style: chr9-134774850-T-A. GRCh37 (hg19) VCF-style: chr9-137666696-T-A.
Other names: c.2332-9T>A (NM_001278074.1).
Identifiers: ClinVar variation 2664895 (VCV002664895.1), dbSNP rs1554797620, ClinGen allele CA2695199436.

ClinVar aggregate classification (germline): Uncertain significance (1 of 4 stars; one submission).

Conditions:
Ehlers-Danlos syndrome, classic type, 1 (EDSCL1). Also called: EHLERS-DANLOS SYNDROME, GRAVIS TYPE; EHLERS-DANLOS SYNDROME, SEVERE CLASSIC TYPE; Ehlers-Danlos syndrome, type 1; Ehlers-Danlos Syndrome, Classic Type, COL5A1-Related; EDS I. Identifiers: MedGen C0268335, MONDO:0019567, OMIM 130000.

Submission:

Neuberg Centre For Genomic Medicine, NCGM
Classification: Uncertain significance for Ehlers-Danlos syndrome, classic type, 1. Last evaluated: 2023-02-14. Review status: criteria provided, single submitter. Criteria: ACMG Guidelines, 2015. Collection method: clinical testing. Allele origin: germline. Inheritance: Autosomal dominant inheritance. Affected: yes.
Comment: The intronic variant c.2332-9T>A in the COL5A1 gene has not been reported previously as a pathogenic variant nor as a benign variant, to our knowledge. This variant is novel (not in any individuals) in gnomAD Exomes and 1000 Genomes. This splice region variant in intron 26 affects the position nine nucleotides upstream of exon 27. For these reasons, this variant has been classified as Uncertain Significance.